The following is an entry in ClinVar:

ClinVar aggregate classification (germline): Uncertain significance. Review status: criteria provided, single submitter (1 of 4 stars). 2 submissions from 2 submitters: Uncertain significance (1). 1 of the submissions does not count toward it. Last evaluated 2024-08-12.

Conditions:
Fanconi anemia complementation group D2. Also called: FANCD2-Related Fanconi Anemia; FANCONI PANCYTOPENIA, TYPE 4; FANCONI ANEMIA, COMPLEMENTATION GROUP D. Identifiers: Orphanet 84, MedGen C3160738, MONDO:0009214, OMIM 227646.
Fanconi anemia (FA). Also called: Fanconi's anemia. Identifiers: Orphanet 84, MedGen C0015625, MeSH D005199, MONDO:0019391.

gnomAD v4.1: 2 of 1,613,442 alleles (0.00012%); highest among the groups gnomAD compares: Non-Finnish European, 0.00017%; no homozygotes.

Submissions (2):

Labcorp Genetics (formerly Invitae), Labcorp
Classification: Uncertain significance for Fanconi anemia. Last evaluated: 2024-08-12. Review status: criteria provided, single submitter. Criteria: Invitae Variant Classification Sherloc (09022015). Collection method: clinical testing. Allele origin: germline.
Comment: This sequence change replaces arginine, which is basic and polar, with serine, which is neutral and polar, at codon 1236 of the FANCD2 protein (p.Arg1236Ser). This variant is not present in population databases (gnomAD no frequency). This missense change has been observed in individual(s) with clinical features of Fanconi anemia (PMID: 17436244; Invitae). ClinVar contains an entry for this variant (Variation ID: 929668). Advanced modeling of protein sequence and biophysical properties (such as structural, functional, and spatial information, amino acid conservation, physicochemical variation, residue mobility, and thermodynamic stability) performed at Invitae indicates that this missense variant is expected to disrupt FANCD2 protein function with a positive predictive value of 80%. Algorithms developed to predict the effect of sequence changes on RNA splicing suggest that this variant may disrupt the consensus splice site. In summary, the available evidence is currently insufficient to determine the role of this variant in disease. Therefore, it has been classified as a Variant of Uncertain Significance.

Leiden Open Variation Database
Classification: Pathogenic for Fanconi anemia complementation group D2. Last evaluated: 2020-02-28. Review status: no assertion criteria provided. Collection method: curation. Allele origin: germline. Affected: yes. Not counted in ClinVar's aggregate classification.
Comment: Curator: Arleen D. Auerbach. Submitter to LOVD: Arleen D. Auerbach.

Literature cited by the submitters: PubMed 17436244 (cited by Labcorp Genetics (formerly Invitae), Labcorp and Leiden Open Variation Database).

NM_001018115.3(FANCD2):c.3706C>A (p.Arg1236Ser)

Genes: FANCD2 (FA complementation group D2; plus strand), FANCD2OS (FANCD2 opposite strand; minus strand). Cytogenetic location: 3p25.3.
Variant type: single nucleotide variant.
Coding change: c.3706C>A on transcript NM_001018115.3 (MANE Select); coding-DNA position 3706, C replaced by A.
Protein change: p.Arg1236Ser; replaces arginine 1236 with serine.
Molecular consequence: missense variant. On other transcripts: intron variant (1).
Genome position (GRCh38, 1-based): chr3:10,090,314, C>A. VCF-style: chr3-10090314-C-A. GRCh37 (hg19) VCF-style: chr3-10131998-C-A.
Other names: c.3706C>A, p.Arg1236Ser (NM_001319984.2, NM_001374254.1, NM_033084.6); c.3595C>A, p.Arg1199Ser (NM_001374253.1); c.*44-8783G>T (NM_173472.2); short protein forms R1199S, R1236S.
Identifiers: ClinVar variation 929668 (VCV000929668.4), dbSNP rs771078251, ClinGen allele CA351755226.